The following is an entry in ClinVar:

ClinVar aggregate classification (germline): Uncertain significance (1 of 4 stars; one submission).

gnomAD v4.1: 155 of 1,614,150 alleles (0.0096%); highest among the groups gnomAD compares: African/African-American, 0.19%; 1 homozygote.

Submission:

Labcorp Genetics (formerly Invitae), Labcorp
Classification: Uncertain significance. Last evaluated: 2025-07-30. Review status: criteria provided, single submitter. Criteria: Invitae Variant Classification Sherloc (09022015). Collection method: clinical testing. Allele origin: germline.
Comment: This sequence change replaces alanine, which is neutral and non-polar, with threonine, which is neutral and polar, at codon 511 of the ABCB6 protein (p.Ala511Thr). This variant is present in population databases (rs140089441, gnomAD 0.2%), and has an allele count higher than expected for a pathogenic variant. This variant has not been reported in the literature in individuals affected with ABCB6-related conditions. An algorithm developed to predict the effect of missense changes on protein structure and function outputs the following: PolyPhen-2: "Benign". The threonine amino acid residue is found in multiple mammalian species, which suggests that this missense change does not adversely affect protein function. In summary, the available evidence is currently insufficient to determine the role of this variant in disease. Therefore, it has been classified as a Variant of Uncertain Significance.

NM_005689.4(ABCB6):c.1531G>A (p.Ala511Thr)

Gene: ABCB6 (ATP binding cassette subfamily B member 6 (LAN blood group); minus strand). Cytogenetic location: 2q35.
Variant type: single nucleotide variant.
Coding change: c.1531G>A on transcript NM_005689.4 (MANE Select); coding-DNA position 1531, G replaced by A.
Protein change: p.Ala511Thr; replaces alanine 511 with threonine.
Molecular consequence: missense variant.
Genome position (GRCh38, 1-based): chr2:219,213,873, C>T on the plus strand (G>A on the coding strand, the complement: ABCB6 is on the minus strand). VCF-style: chr2-219213873-C-T. GRCh37 (hg19) VCF-style: chr2-220078595-C-T.
Other names: c.1393G>A, p.Ala465Thr (NM_001349828.2); short protein forms A465T, A511T.
Identifiers: ClinVar variation 4752429 (VCV004752429.1).